The following is an entry in ClinVar:

ClinVar aggregate classification (germline): Uncertain significance (1 of 4 stars; one submission).

Allele frequency attached by ClinVar (database versions not stated): gnomAD exomes below 0.00001; gnomAD 0.00001.
gnomAD v4.1: 3 of 1,614,024 alleles (0.00019%); highest among the groups gnomAD compares: Non-Finnish European, 0.00025%; no homozygotes.

Submission:

Labcorp Genetics (formerly Invitae), Labcorp
Classification: Uncertain significance. Last evaluated: 2023-12-30. Review status: criteria provided, single submitter. Criteria: Invitae Variant Classification Sherloc (09022015). Collection method: clinical testing. Allele origin: germline.
Comment: This sequence change replaces lysine, which is basic and polar, with glutamic acid, which is acidic and polar, at codon 175 of the PDE6A protein (p.Lys175Glu). This variant is not present in population databases (gnomAD no frequency). This variant has not been reported in the literature in individuals affected with PDE6A-related conditions. ClinVar contains an entry for this variant (Variation ID: 944593). Advanced modeling of protein sequence and biophysical properties (such as structural, functional, and spatial information, amino acid conservation, physicochemical variation, residue mobility, and thermodynamic stability) performed at Invitae indicates that this missense variant is not expected to disrupt PDE6A protein function with a negative predictive value of 80%. In summary, the available evidence is currently insufficient to determine the role of this variant in disease. Therefore, it has been classified as a Variant of Uncertain Significance.

NM_000440.3(PDE6A):c.523A>G (p.Lys175Glu)

Gene: PDE6A (phosphodiesterase 6A; minus strand). Cytogenetic location: 5q32.
Variant type: single nucleotide variant.
Coding change: c.523A>G on transcript NM_000440.3 (MANE Select); coding-DNA position 523, A replaced by G.
Protein change: p.Lys175Glu; replaces lysine 175 with glutamic acid.
Molecular consequence: missense variant.
Genome position (GRCh38, 1-based): chr5:149,934,670, T>C on the plus strand (A>G on the coding strand, the complement: PDE6A is on the minus strand). VCF-style: chr5-149934670-T-C. GRCh37 (hg19) VCF-style: chr5-149314233-T-C.
Other names: short protein forms K175E.
Identifiers: ClinVar variation 944593 (VCV000944593.7), dbSNP rs1754133565, ClinGen allele CA361698506.